The following is an entry in ClinVar:

NM_002755.4(MAP2K1):c.569-8C>T

Gene: MAP2K1 (mitogen-activated protein kinase kinase 1; plus strand). Cytogenetic location: 15q22.31.
Variant type: single nucleotide variant.
Coding change: c.569-8C>T on transcript NM_002755.4 (MANE Select); 8 bases into the intron before coding-DNA position 569, C replaced by T.
Molecular consequence: intron variant.
Genome position (GRCh38, 1-based): chr15:66,481,747, C>T. VCF-style: chr15-66481747-C-T. GRCh37 (hg19) VCF-style: chr15-66774085-C-T.
Identifiers: ClinVar variation 517177 (VCV000517177.7), dbSNP rs375614631, ClinGen allele CA658798392.

ClinVar aggregate classification (germline): Likely benign. Review status: criteria provided, multiple submitters, no conflicts (2 of 4 stars). 2 submissions from 2 submitters: Likely benign (2). Last evaluated 2024-10-17.

Conditions:
RASopathy. Also called: Noonan spectrum disorder; rasopathies. Identifiers: Orphanet 536391, MedGen C5555857, MONDO:0021060.

Allele frequency attached by ClinVar (database versions not stated): gnomAD exomes 0.00001.
gnomAD v4.1: 3 of 1,611,898 alleles (0.00019%); highest among the groups gnomAD compares: Non-Finnish European, 0.00025%; no homozygotes.

Submissions (2):

Labcorp Genetics (formerly Invitae), Labcorp
Classification: Likely benign for RASopathy. Last evaluated: 2024-10-17. Review status: criteria provided, single submitter. Criteria: Invitae Variant Classification Sherloc (09022015). Collection method: clinical testing. Allele origin: germline.

Laboratory for Molecular Medicine, Mass General Brigham Personalized Medicine
Classification: Likely benign. Last evaluated: 2016-11-23. Review status: criteria provided, single submitter. Criteria: LMM Criteria. Collection method: clinical testing. Allele origin: germline. Observed: 1 variant allele.
Comment: c.569-8C>T in intron 5 of MAP2K1: This variant is not expected to have clinical significance because a C>T change at this position does not diverge from the spl ice consensus sequence and is therefore unlikely to impact splicing.